The following is an entry in ClinVar:

NM_001142864.4(PIEZO1):c.6249C>T (p.Cys2083=)

Gene: PIEZO1 (piezo type mechanosensitive ion channel component 1 (Er blood group); minus strand). Cytogenetic location: 16q24.3.
Variant type: single nucleotide variant.
Coding change: c.6249C>T on transcript NM_001142864.4 (MANE Select); coding-DNA position 6249, C replaced by T.
Protein change: p.Cys2083=; no amino-acid change (cysteine 2083 retained).
Molecular consequence: synonymous variant.
Genome position (GRCh38, 1-based): chr16:88,719,876, G>A on the plus strand (C>T on the coding strand, the complement: PIEZO1 is on the minus strand). VCF-style: chr16-88719876-G-A. GRCh37 (hg19) VCF-style: chr16-88786284-G-A.
Other names: p.Cys2083=.
Identifiers: ClinVar variation 740331 (VCV000740331.17), dbSNP rs372557703, ClinGen allele CA8231670.
Genomic context (GRCh38, chr16:88,719,876, plus strand): 5'-GAGGTTGAGATGATTGTACTTCTTGGTGAGGAAGTTGCCGAGGATGCGGGTGGGGTAGCC[G>A]CAGCGGATCTGGTAGGCGGACAGGGCGAAGTAGATGCACTTCACGAAGTACCAGAGCTGG-3'
Protein context (NP_001136336.2, residues 2073-2093): YFALSAYQIR[Cys2083=]GYPTRILGNF

ClinVar aggregate classification (germline): Likely benign. Review status: criteria provided, multiple submitters, no conflicts (2 of 4 stars). 3 submissions from 3 submitters: Likely benign (3). Last evaluated 2025-10-14.

Allele frequency attached by ClinVar (database versions not stated): TOPMed 0.00008; 1000 Genomes Project 0.00020; gnomAD 0.00005 and 0.00004; 1000 Genomes Project 30x 0.00016; ExAC 0.00005; ESP Exome Variant Server 0.00022.
gnomAD v4.1: 85 of 1,550,590 alleles (0.0055%); highest among the groups gnomAD compares: East Asian, 0.024%; no homozygotes.

Submissions (3):

Mayo Clinic Laboratories, Mayo Clinic
Classification: Likely benign. Last evaluated: 2025-10-14. Review status: criteria provided, single submitter. Criteria: ACMG Guidelines, 2015. Collection method: clinical testing. Allele origin: germline. Observed: 1 variant allele.
Comment: BP4, BP7

Labcorp Genetics (formerly Invitae), Labcorp
Classification: Likely benign. Last evaluated: 2023-09-14. Review status: criteria provided, single submitter. Criteria: Invitae Variant Classification Sherloc (09022015). Collection method: clinical testing. Allele origin: germline.

ARUP Laboratories, Molecular Genetics and Genomics, ARUP Laboratories
Classification: Likely benign. Last evaluated: 2022-09-21. Review status: criteria provided, single submitter. Criteria: ARUP Molecular Germline Variant Investigation Process 2021. Collection method: clinical testing. Allele origin: germline.